The following is an entry in ClinVar:

NM_003384.3(VRK1):c.517dup (p.Tyr173fs)

Gene: VRK1 (VRK serine/threonine kinase 1; plus strand). Cytogenetic location: 14q32.2.
Variant type: Duplication.
Coding change: c.517dup on transcript NM_003384.3 (MANE Select); coding-DNA position 517, one base duplicated (T; older notation c.517dupT).
Protein change: p.Tyr173fs; shifts the reading frame from tyrosine 173.
Molecular consequence: frameshift variant.
Genome position (GRCh38, 1-based): chr14:96,853,107, T duplicated. VCF-style (leftmost placement, unchanged base first): chr14-96853106-G-GT. GRCh37 (hg19) VCF-style: chr14-97319443-G-GT.
Other names: c.517dup, p.Tyr173fs (NM_001411051.1, NM_001411053.1); short protein forms Y173fs.
Identifiers: ClinVar variation 4815121 (VCV004815121.1).

ClinVar aggregate classification (germline): Likely pathogenic (1 of 4 stars; one submission).

Conditions:
Pontocerebellar hypoplasia type 1A (PCH1A). Also called: PONTOCEREBELLAR HYPOPLASIA WITH ANTERIOR HORN CELL DISEASE; PONTOCEREBELLAR HYPOPLASIA WITH INFANTILE SPINAL MUSCULAR ATROPHY. Identifiers: Orphanet 2254, Orphanet 88616, MedGen C1843504, MONDO:0011866, OMIM 607596.

Submission:

Natera, Inc.
Classification: Likely pathogenic for Pontocerebellar hypoplasia, type 1a. Last evaluated: 2024-09-12. Review status: criteria provided, single submitter. Criteria: Natera Variant Classification Schema (03/2026). Collection method: clinical testing. Allele origin: germline.
Comment: The c.517dup variant in VRK1 is a frameshift variant predicted to shift the reading frame beginning at codon 173 and leads to a stop codon 19 codons downstream. This variant is expected to result in nonsense mediated decay, truncation, or a dysfunctional protein product. This variant is rare in the general population with a frequency below the threshold expected for the associated phenotype(s). Given the available evidence, this variant is classified as Likely Pathogenic.